The following is an entry in ClinVar:

NM_003504.5(CDC45):c.1271G>A (p.Arg424Gln)

Gene: CDC45 (cell division cycle 45; plus strand). Cytogenetic location: 22q11.21.
Variant type: single nucleotide variant.
Coding change: c.1271G>A on transcript NM_003504.5 (MANE Select); coding-DNA position 1271, G replaced by A.
Protein change: p.Arg424Gln; replaces arginine 424 with glutamine.
Molecular consequence: missense variant.
Genome position (GRCh38, 1-based): chr22:19,514,802, G>A. VCF-style: chr22-19514802-G-A. GRCh37 (hg19) VCF-style: chr22-19502325-G-A.
Other names: c.1367G>A, p.Arg456Gln (NM_001178010.2); c.1133G>A, p.Arg378Gln (NM_001178011.2); c.1235G>A, p.Arg412Gln (NM_001369291.1); short protein forms R412Q, R424Q, R456Q, R378Q.
Identifiers: ClinVar variation 1984691 (VCV001984691.4), dbSNP rs780695620, ClinGen allele CA10101391.
Genomic context (GRCh38, chr22:19,514,802, plus strand): 5'-GTTACAGGAGTAACCTGGACAAGCTGTACCATGGCCTGGAACTCGCCAAGAAGCAGCTGC[G>A]AGCCACCCAGCAGACCATTGCCAGCTGCCTTTGCACCAACCTCGTCATCTCCCAGGGGCC-3'
Protein context (NP_003495.1, residues 414-434): HGLELAKKQL[Arg424Gln]ATQQTIASCL

ClinVar aggregate classification (germline): Uncertain significance (1 of 4 stars; one submission).

Allele frequency attached by ClinVar (database versions not stated): TOPMed below 0.00001; ExAC 0.00001; gnomAD 0.00001; gnomAD exomes 0.00001.
gnomAD v4.1: 12 of 1,613,928 alleles (0.00074%); highest among the groups gnomAD compares: Middle Eastern, 0.016%; no homozygotes.

Submission:

Labcorp Genetics (formerly Invitae), Labcorp
Classification: Uncertain significance. Last evaluated: 2023-05-22. Review status: criteria provided, single submitter. Criteria: Invitae Variant Classification Sherloc (09022015). Collection method: clinical testing. Allele origin: germline.
Comment: In summary, the available evidence is currently insufficient to determine the role of this variant in disease. Therefore, it has been classified as a Variant of Uncertain Significance. Algorithms developed to predict the effect of missense changes on protein structure and function output the following: SIFT: "Not Available"; PolyPhen-2: "Benign"; Align-GVGD: "Not Available". The glutamine amino acid residue is found in multiple mammalian species, which suggests that this missense change does not adversely affect protein function. ClinVar contains an entry for this variant (Variation ID: 1984691). This variant has not been reported in the literature in individuals affected with CDC45-related conditions. This variant is present in population databases (rs780695620, gnomAD 0.0009%). This sequence change replaces arginine, which is basic and polar, with glutamine, which is neutral and polar, at codon 456 of the CDC45 protein (p.Arg456Gln).